The following is an entry in ClinVar:

ClinVar aggregate classification (germline): Uncertain significance (1 of 4 stars; one submission).

Conditions:
Familial adenomatous polyposis 1 (FAP1). Also called: POLYPOSIS, ADENOMATOUS INTESTINAL; FAMILIAL ADENOMATOUS POLYPOSIS 1, ATTENUATED. Identifiers: MedGen C2713442, MONDO:0021056, OMIM 175100. Disease mechanism: loss of function.

Submission:

Labcorp Genetics (formerly Invitae), Labcorp
Classification: Uncertain significance for Familial adenomatous polyposis 1. Last evaluated: 2024-10-28. Review status: criteria provided, single submitter. Criteria: Invitae Variant Classification Sherloc (09022015). Collection method: clinical testing. Allele origin: germline.
Comment: This sequence change replaces glutamine, which is neutral and polar, with arginine, which is basic and polar, at codon 1256 of the APC protein (p.Gln1256Arg). This variant is not present in population databases (gnomAD no frequency). This variant has not been reported in the literature in individuals affected with APC-related conditions. Invitae Evidence Modeling of protein sequence and biophysical properties (such as structural, functional, and spatial information, amino acid conservation, physicochemical variation, residue mobility, and thermodynamic stability) indicates that this missense variant is not expected to disrupt APC protein function with a negative predictive value of 95%. In summary, the available evidence is currently insufficient to determine the role of this variant in disease. Therefore, it has been classified as a Variant of Uncertain Significance.

NM_000038.6(APC):c.3767A>G (p.Gln1256Arg)

Gene: APC (APC regulator of Wnt signaling pathway; plus strand). Cytogenetic location: 5q22.2.
Variant type: single nucleotide variant.
Coding change: c.3767A>G on transcript NM_000038.6 (MANE Select); coding-DNA position 3767, A replaced by G.
Protein change: p.Gln1256Arg; replaces glutamine 1256 with arginine.
Molecular consequence: missense variant. On other transcripts: non-coding transcript variant (2).
Genome position (GRCh38, 1-based): chr5:112,839,361, A>G. VCF-style: chr5-112839361-A-G. GRCh37 (hg19) VCF-style: chr5-112175058-A-G.
Other names: c.3767A>G, p.Gln1256Arg (NM_001127510.3, NM_001354895.2, NM_001407450.1); c.3713A>G, p.Gln1238Arg (NM_001127511.3); c.3821A>G, p.Gln1274Arg (NM_001354896.2, NM_001407447.1, NM_001407448.1 and 1 more transcripts); c.3797A>G, p.Gln1266Arg (NM_001354897.2); c.3692A>G, p.Gln1231Arg (NM_001354898.2); c.3683A>G, p.Gln1228Arg (NM_001354899.2); c.3644A>G, p.Gln1215Arg (NM_001354900.2); c.3590A>G, p.Gln1197Arg (NM_001354901.2, NM_001407453.1); and 11 more; short protein forms Q1197R, Q1266R, Q1127R, Q1228R, Q1231R, Q1246R, Q1130R, Q1155R.
Identifiers: ClinVar variation 3714014 (VCV003714014.2).